The following is an entry in ClinVar:

ClinVar aggregate classification (germline): Benign/Likely benign. Review status: criteria provided, multiple submitters, no conflicts (2 of 4 stars). 12 submissions from 12 submitters: Benign (6); Likely benign (3). 3 of the submissions do not count toward it. Last evaluated 2026-02-04.

Conditions:
Zellweger spectrum disorders (ZS). Also called: Zellweger Spectrum Disorder; Zellweger Spectrum; Zellweger syndrome; Zellweger Spectrum Disorder (ZSD). Identifiers: Orphanet 912, MedGen C0043459, MONDO:0019609.
Peroxisome biogenesis disorder, complementation group 7 (CG7). Also called: Peroxisome biogenesis disorder, complementation group B. Identifiers: MedGen C1864399.
Peroxisome biogenesis disorder 6A (Zellweger). Also called: Peroxisome biogenesis disorder 6A. Identifiers: Orphanet 912, MedGen C3553947, MONDO:0013936, OMIM 614870.

Allele frequency attached by ClinVar (database versions not stated): 1000 Genomes Project 30x 0.00843; 1000 Genomes Project 0.00859; TOPMed 0.01818; gnomAD 0.01863 and 0.01899; ExAC 0.01908; gnomAD exomes 0.02025 and 0.02302; ESP Exome Variant Server 0.02091.
gnomAD v4.1: 36,655 of 1,613,202 alleles (2.3%); highest among the groups gnomAD compares: Middle Eastern, 2.6%; 507 homozygotes.

Submissions (12):

Labcorp Genetics (formerly Invitae), Labcorp
Classification: Benign for Peroxisome biogenesis disorder, complementation group 7. Last evaluated: 2026-02-04. Review status: criteria provided, single submitter. Criteria: Invitae Variant Classification Sherloc (09022015). Collection method: clinical testing. Allele origin: germline.

Mayo Clinic Laboratories, Mayo Clinic
Classification: Benign. Last evaluated: 2024-11-08. Review status: criteria provided, single submitter. Criteria: ACMG Guidelines, 2015. Collection method: clinical testing. Allele origin: germline. Observed: 75 variant alleles.

GeneDx
Classification: Benign. Last evaluated: 2020-10-01. Review status: criteria provided, single submitter. Criteria: GeneDx Variant Classification Process June 2021. Collection method: clinical testing. Allele origin: germline. Affected: yes.
Comment: This variant is associated with the following publications: (PMID: 15542397, 27535533, 19127411)

Illumina Laboratory Services, Illumina
Classification: Likely benign for Peroxisome biogenesis disorder 6A (Zellweger). Last evaluated: 2017-04-27. Review status: criteria provided, single submitter. Criteria: ICSL Variant Classification Criteria 13 December 2019. Collection method: clinical testing. Allele origin: germline.
Comment: This variant was observed as part of a predisposition screen in an ostensibly healthy population. A literature search was performed for the gene, cDNA change, and amino acid change (where applicable). Publications were found based on this search. The evidence from the literature, in combination with allele frequency data from public databases where available, was sufficient to determine this variant is unlikely to cause disease. Therefore, this variant is classified as likely benign.

Laboratory for Molecular Medicine, Mass General Brigham Personalized Medicine
Classification: Likely benign. Last evaluated: 2016-03-29. Review status: criteria provided, single submitter. Criteria: LMM Criteria. Collection method: clinical testing. Allele origin: germline.
Comment: Variant identified in a genome or exome case(s) and assessed due to predicted null impact of the variant or pathogenic assertions in the literature or databases. Disclaimer: This variant has not undergone full assessment. The following are preliminary notes: Frequency in ESP (all): 272/13006=2%

Eurofins Ntd Llc (ga)
Classification: Benign. Last evaluated: 2014-11-23. Review status: criteria provided, single submitter. Criteria: EGL Classification Definitions 2015. Collection method: clinical testing. Allele origin: germline. Observed: 1 variant allele, 1 heterozygote.

Breakthrough Genomics
Classification: Likely benign. Review status: criteria provided, single submitter. Criteria: ACMG Guidelines, 2015. Collection method: not provided. Allele origin: germline. Inheritance: Autosomal recessive inheritance. Affected: yes.

Broad Center for Mendelian Genomics, Broad Institute of MIT and Harvard
Classification: Benign for Peroxisome biogenesis disorder 6A (Zellweger). Review status: criteria provided, single submitter. Criteria: ACMG Guidelines, 2015. Collection method: research. Allele origin: germline. Inheritance: Autosomal recessive inheritance. Affected: yes.
Comment: The heterozygous p.Thr294Ala variant in PEX10 has been identified in cis with a frameshift mutation and in an individual with Zellweger syndrome (PMID: 19127411). This variant has been identified in >2% of European (non-Finnish) chromosomes and 36 homozygotes by ExAC. In summary, this variant meets criteria to be classified as benign for autosomal recessive Zellweger syndrome.

PreventionGenetics, part of Exact Sciences
Classification: Benign. Review status: criteria provided, single submitter. Criteria: ACMG Guidelines, 2015. Collection method: clinical testing. Allele origin: germline.

Natera, Inc.
Classification: Benign for Zellweger syndrome. Last evaluated: 2019-11-26. Review status: no assertion criteria provided. Collection method: clinical testing. Allele origin: germline. Not counted in ClinVar's aggregate classification.

Diagnostic Laboratory, Department of Genetics, University Medical Center Groningen
Classification: Benign. Review status: no assertion criteria provided. Collection method: clinical testing. Allele origin: germline. Affected: yes. Study: VKGL Data-share Consensus. Not counted in ClinVar's aggregate classification.

Genome Diagnostics Laboratory, University Medical Center Utrecht
Classification: Likely benign. Review status: no assertion criteria provided. Collection method: clinical testing. Allele origin: germline. Affected: yes. Study: VKGL Data-share Consensus. Not counted in ClinVar's aggregate classification.

Literature cited by the submitters: PubMed 15542397 (cited by Illumina Laboratory Services, Illumina); PubMed 19127411 (cited by Illumina Laboratory Services, Illumina).

NM_002617.4(PEX10):c.820A>G (p.Thr274Ala)

Gene: PEX10 (peroxisomal biogenesis factor 10; minus strand). Cytogenetic location: 1p36.32.
Variant type: single nucleotide variant.
Coding change: c.820A>G on transcript NM_002617.4 (MANE Select); coding-DNA position 820, A replaced by G.
Protein change: p.Thr274Ala; replaces threonine 274 with alanine.
Molecular consequence: missense variant. On other transcripts: non-coding transcript variant (1).
Genome position (GRCh38, 1-based): chr1:2,406,576, T>C on the plus strand (A>G on the coding strand, the complement: PEX10 is on the minus strand). VCF-style: chr1-2406576-T-C. GRCh37 (hg19) VCF-style: chr1-2338015-T-C.
Other names: c.877A>G, p.Thr293Ala (NM_001374425.1); c.445A>G, p.Thr149Ala (NM_001374426.1); c.388A>G, p.Thr130Ala (NM_001374427.1); c.880A>G, p.Thr294Ala (NM_153818.2); short protein forms T294A, T274A, T130A, T149A, T293A.
Identifiers: ClinVar variation 197887 (VCV000197887.29), dbSNP rs34154371, ClinGen allele CA203142.